The following is an entry in ClinVar:

NM_001146312.3(MYOCD):c.415G>T (p.Gly139Cys)

Gene: MYOCD (myocardin; plus strand). Cytogenetic location: 17p12.
Variant type: single nucleotide variant.
Coding change: c.415G>T on transcript NM_001146312.3 (MANE Select); coding-DNA position 415, G replaced by T.
Protein change: p.Gly139Cys; replaces glycine 139 with cysteine.
Molecular consequence: missense variant.
Genome position (GRCh38, 1-based): chr17:12,723,008, G>T. VCF-style: chr17-12723008-G-T. GRCh37 (hg19) VCF-style: chr17-12626325-G-T.
Other names: c.178G>T, p.Gly60Cys (NM_001378306.1); c.415G>T, p.Gly139Cys (NM_153604.4); short protein forms G139C, G60C.
Identifiers: ClinVar variation 5009944 (VCV005009944.1).
Genomic context (GRCh38, chr17:12,723,008, plus strand): 5'-CTGGAGCTGGTGGAAAAAAACATTCTTCCTGTGGATTCTGCTGTGAAAGAGGCCATAAAA[G>T]GTAGTTAGAACAAATGGCATGTCTCTCCTTGGTGCTATTGAGATCTGAGGGCAGCCCGGA-3'
Protein context (NP_001139784.1, residues 129-149): VDSAVKEAIK[Gly139Cys]NQVSFSKSTD

ClinVar aggregate classification (germline): Uncertain significance (1 of 4 stars; one submission).

Submission:

GeneDx
Classification: Uncertain significance. Last evaluated: 2026-03-01. Review status: criteria provided, single submitter. Criteria: GeneDx Variant Classification Process June 2021. Collection method: clinical testing. Allele origin: germline.
Comment: Not observed at significant frequency in large population cohorts (gnomAD); Alters the last nucleotide of the exon and is predicted to damage the splice donor site but the effect on protein function is unclear; Has not been previously published as pathogenic or benign to our knowledge